The following is an entry in ClinVar:

NM_001267550.2(TTN):c.25481G>A (p.Arg8494Gln)

Gene: TTN (titin; minus strand). Cytogenetic location: 2q31.2.
Variant type: single nucleotide variant.
Coding change: c.25481G>A on transcript NM_001267550.2 (MANE Select); coding-DNA position 25481, G replaced by A.
Protein change: p.Arg8494Gln; replaces arginine 8494 with glutamine.
Molecular consequence: missense variant. On other transcripts: intron variant (3).
Genome position (GRCh38, 1-based): chr2:178,717,253, C>T on the plus strand (G>A on the coding strand, the complement: TTN is on the minus strand). VCF-style: chr2-178717253-C-T. GRCh37 (hg19) VCF-style: chr2-179581980-C-T.
Other names: c.24530G>A, p.Arg8177Gln (NM_001256850.1); c.21749G>A, p.Arg7250Gln (NM_133378.4); c.13282+20829G>A (NM_003319.4); c.13858+20829G>A (NM_133437.4); c.13657+20829G>A (NM_133432.3); short protein forms R7250Q, R8494Q, R8177Q.
Identifiers: ClinVar variation 192175 (VCV000192175.29), dbSNP rs201418615, ClinGen allele CA238518.

ClinVar aggregate classification (germline): Conflicting classifications of pathogenicity. Review status: criteria provided, conflicting classifications (1 of 4 stars). 11 submissions from 11 submitters: Uncertain significance (2); Likely benign (7). 2 of the submissions do not count toward it. Last evaluated 2026-01-20.

Conditions:
TTN-related disorder. Also called: TTN-related condition; TTN-related disease; TTN-related disorders.
Dilated cardiomyopathy 1G (CMD1G). Identifiers: Orphanet 154, MedGen C1858763, MONDO:0011400, OMIM 604145.
Autosomal recessive limb-girdle muscular dystrophy type 2J (LGMDR10). Also called: Limb-girdle muscular dystrophy, type 2J; MUSCULAR DYSTROPHY, LIMB-GIRDLE, AUTOSOMAL RECESSIVE 10. Identifiers: Orphanet 140922, MedGen C1837342, MONDO:0012127, OMIM 608807.

Allele frequency attached by ClinVar (database versions not stated): gnomAD exomes 0.00007 and 0.00014; ExAC 0.00013; ESP Exome Variant Server 0.00033; gnomAD 0.00055 and 0.00058; TOPMed 0.00057; 1000 Genomes Project 0.00080; 1000 Genomes Project 30x 0.00094.
gnomAD v4.1: 183 of 1,613,692 alleles (0.011%); highest among the groups gnomAD compares: African/African-American, 0.19%; 1 homozygote.

Submissions (11):

Labcorp Genetics (formerly Invitae), Labcorp
Classification: Likely benign for Dilated cardiomyopathy 1G; Autosomal recessive limb-girdle muscular dystrophy type 2J. Last evaluated: 2026-01-20. Review status: criteria provided, single submitter. Criteria: Invitae Variant Classification Sherloc (09022015). Collection method: clinical testing. Allele origin: germline.

PreventionGenetics, part of Exact Sciences
Classification: Likely benign for TTN-related condition. Last evaluated: 2025-05-22. Review status: criteria provided, single submitter. Criteria: ACMG Guidelines, 2015. Collection method: clinical testing. Allele origin: germline.
Comment: This variant is classified as likely benign based on ACMG/AMP sequence variant interpretation guidelines (Richards et al. 2015 PMID: 25741868, with internal and published modifications).

Molecular Diagnostic Laboratory for Inherited Cardiovascular Disease, Montreal Heart Institute
Classification: Likely benign. Last evaluated: 2025-04-09. Review status: criteria provided, single submitter. Criteria: ACMG Guidelines, 2015. Collection method: clinical testing. Allele origin: germline. Affected: no.

Revvity Omics, Revvity
Classification: Likely benign. Last evaluated: 2023-08-17. Review status: criteria provided, single submitter. Criteria: ACMG Guidelines, 2015. Collection method: clinical testing. Allele origin: germline.

GeneDx
Classification: Likely benign. Last evaluated: 2020-10-07. Review status: criteria provided, single submitter. Criteria: GeneDx Variant Classification Process June 2021. Collection method: clinical testing. Allele origin: germline. Affected: yes.
Comment: This variant is associated with the following publications: (PMID: 27604489, 23861362)

Women's Health and Genetics/Laboratory Corporation of America, LabCorp
Classification: Likely benign. Last evaluated: 2020-08-24. Review status: criteria provided, single submitter. Criteria: LabCorp Variant Classification Summary - May 2015. Collection method: clinical testing. Allele origin: germline.
Comment: Variant summary: TTN c.21749G>A (p.Arg7250Gln) results in a conservative amino acid change located in the I-band domain of the encoded protein sequence. Four of five in-silico tools predict a benign effect of the variant on protein function. The variant allele was found at a frequency of 0.0002 in 280342 control chromosomes, predominantly at a frequency of 0.0022 within the African or African-American subpopulation in the gnomAD database, including 1 homozygote. The observed variant frequency within African or African-American control individuals in the gnomAD database is approximately 6 fold of the estimated maximal expected allele frequency for a pathogenic variant in TTN causing Dilated Cardiomyopathy phenotype (0.00039), strongly suggesting that the variant is a benign polymorphism found primarily in populations of African or African-American origin. To our knowledge, no occurrence of c.21749G>A in individuals affected with Dilated Cardiomyopathy and no experimental evidence demonstrating its impact on protein function have been reported. One co-occurrence with another pathogenic variant has been internally reported (TTR c.424G>A, p.V142I), providing supporting evidence for a benign role. Three ClinVar submitters (evaluation after 2014) cite the variant as uncertain significance (1x) and likely benign (2x). Based on the evidence outlined above, the variant was classified as likely benign.

Laboratory for Molecular Medicine, Mass General Brigham Personalized Medicine
Classification: Uncertain significance. Last evaluated: 2015-07-29. Review status: criteria provided, single submitter. Criteria: LMM Criteria. Collection method: clinical testing. Allele origin: germline. Observed: 1 variant allele.
Comment: The p.Arg7250Gln variant in TTN has not been previously reported in individuals with cardiomyopathy, but has been identified in 0.15% (15/9798) of African chrom osomes by the Exome Aggregation Consortium (ExAC ; dbSNP rs201418615). Computational prediction tools and conservation analysis d o not provide strong support for or against an impact to the protein. In summary , the clinical significance of the p.Arg7250Gln variant is uncertain.

Eurofins Ntd Llc (ga)
Classification: Uncertain significance. Last evaluated: 2014-08-29. Review status: criteria provided, single submitter. Criteria: EGL Classification Definitions 2015. Collection method: clinical testing. Allele origin: germline. Observed: 2 variant alleles, 2 heterozygotes.

Biesecker Lab/Clinical Genomics Section, National Institutes of Health
Classification: Likely benign. Last evaluated: 2013-06-24. Review status: criteria provided, single submitter. Criteria: Ng et al. (Circ Cardiovasc Genet. 2013). Collection method: research. Allele origin: unknown. Observed: 2 variant alleles. Study: ClinSeq.
Comment: The study set was not selected for affection status in relation to any cancer. Pathogenicity categories were based on literature curation. See Pubmed ID:23861362 for details.

Medical sequencing

Clinical Genetics DNA and cytogenetics Diagnostics Lab, Erasmus MC, Erasmus Medical Center
Classification: Likely benign. Review status: no assertion criteria provided. Collection method: clinical testing. Allele origin: germline. Affected: yes. Study: VKGL Data-share Consensus. Not counted in ClinVar's aggregate classification.

Clinical Genetics, Academic Medical Center
Classification: Likely benign. Review status: no assertion criteria provided. Collection method: clinical testing. Allele origin: germline. Affected: yes. Study: VKGL Data-share Consensus. Not counted in ClinVar's aggregate classification.

Literature cited by the submitters: PubMed 23861362 (cited by Laboratory for Molecular Medicine, Mass General Brigham Personalized Medicine).